The following is an entry in ClinVar:

ClinVar aggregate classification (germline): Likely benign. Review status: criteria provided, multiple submitters, no conflicts (2 of 4 stars). 2 submissions from 2 submitters: Likely benign (2). Last evaluated 2025-08-27.

Conditions:
Microcephaly-intellectual disability-sensorineural hearing loss-epilepsy-abnormal muscle tone syndrome (NEDHSB). Also called: NEURODEVELOPMENTAL DISORDER WITH HEARING LOSS, SEIZURES, AND BRAIN ABNORMALITIES. Identifiers: Orphanet 457351, MedGen C4225276, MONDO:0014698, OMIM 616577.

Allele frequency attached by ClinVar (database versions not stated): gnomAD 0.00004 and 0.00003; TOPMed 0.00004; ESP Exome Variant Server 0.00008; ExAC 0.00001; gnomAD exomes 0.00002.
gnomAD v4.1: 36 of 1,612,678 alleles (0.0022%); highest among the groups gnomAD compares: Admixed American, 0.0033%; no homozygotes.

Submissions (2):

Athena Diagnostics
Classification: Likely benign. Last evaluated: 2025-08-27. Review status: criteria provided, single submitter. Criteria: Athena Diagnostics Criteria. Collection method: clinical testing. Allele origin: unknown.
Comment: Computational tools yielded predictions that this variant is unlikely to have an effect on normal RNA splicing. This nucleotide position exhibits low evolutionary conservation.

Labcorp Genetics (formerly Invitae), Labcorp
Classification: Likely benign for Microcephaly-intellectual disability-sensorineural hearing loss-epilepsy-abnormal muscle tone syndrome. Last evaluated: 2024-10-28. Review status: criteria provided, single submitter. Criteria: Invitae Variant Classification Sherloc (09022015). Collection method: clinical testing. Allele origin: germline.

NM_145207.3(AFG2A):c.2103T>C (p.Tyr701=)

Gene: AFG2A (AAA ATPase AFG2A; plus strand). Cytogenetic location: 4q28.1.
Variant type: single nucleotide variant.
Coding change: c.2103T>C on transcript NM_145207.3 (MANE Select); coding-DNA position 2103, T replaced by C.
Protein change: p.Tyr701=; no amino-acid change (tyrosine 701 retained).
Molecular consequence: synonymous variant.
Genome position (GRCh38, 1-based): chr4:123,056,410, T>C. VCF-style: chr4-123056410-T-C. GRCh37 (hg19) VCF-style: chr4-123977565-T-C.
Other names: c.2100T>C, p.Tyr700= (NM_001345856.2).
Identifiers: ClinVar variation 708520 (VCV000708520.10), dbSNP rs375587472, ClinGen allele CA3070639.